The following is an entry in ClinVar:

ClinVar aggregate classification (germline): Uncertain significance (1 of 4 stars; one submission).

Submission:

Labcorp Genetics (formerly Invitae), Labcorp
Classification: Uncertain significance. Last evaluated: 2025-04-07. Review status: criteria provided, single submitter. Criteria: Invitae Variant Classification Sherloc (09022015). Collection method: clinical testing. Allele origin: germline.
Comment: This sequence change falls in intron 3 of the ACAD9 gene. It does not directly change the encoded amino acid sequence of the ACAD9 protein. Information on the frequency of this variant in the gnomAD database is not available, as this variant may be reported differently in the database. This variant has not been reported in the literature in individuals affected with ACAD9-related conditions. ClinVar contains an entry for this variant (Variation ID: 2018156). Experimental studies and prediction algorithms are not available or were not evaluated, and the effect of this variant on mRNA splicing is currently unknown. In summary, the available evidence is currently insufficient to determine the role of this variant in disease. Therefore, it has been classified as a Variant of Uncertain Significance.

NM_014049.5(ACAD9):c.346+14_346+15delinsTA

Gene: ACAD9 (acyl-CoA dehydrogenase family member 9; plus strand). Cytogenetic location: 3q21.3.
Variant type: Indel.
Coding change: c.346+14_346+15delinsTA on transcript NM_014049.5 (MANE Select); bases 14 to 15 of the intron after coding-DNA position 346, AC replaced by TA.
Molecular consequence: intron variant.
Genome position (GRCh38, 1-based): chr3:128,893,670-128,893,671, AC replaced by TA. VCF-style: chr3-128893670-AC-TA. GRCh37 (hg19) VCF-style: chr3-128612513-AC-TA.
Identifiers: ClinVar variation 2018156 (VCV002018156.4), dbSNP rs2529251602, ClinGen allele CA2580068690.